The following is an entry in ClinVar:

ClinVar aggregate classification (germline): Uncertain significance. Review status: criteria provided, multiple submitters, no conflicts (2 of 4 stars). 2 submissions from 2 submitters: Uncertain significance (2). Last evaluated 2024-07-29.

Allele frequency attached by ClinVar (database versions not stated): gnomAD exomes below 0.00001; ExAC 0.00001; gnomAD 0.00001; TOPMed 0.00001.
gnomAD v4.1: 18 of 1,613,904 alleles (0.0011%); highest among the groups gnomAD compares: Admixed American, 0.027%; no homozygotes.

Submissions (2):

Blueprint Genetics
Classification: Uncertain significance. Last evaluated: 2024-07-29. Review status: criteria provided, single submitter. Criteria: ACMG Guidelines, 2015. Collection method: clinical testing. Allele origin: germline.

Labcorp Genetics (formerly Invitae), Labcorp
Classification: Uncertain significance. Last evaluated: 2023-12-06. Review status: criteria provided, single submitter. Criteria: Invitae Variant Classification Sherloc (09022015). Collection method: clinical testing. Allele origin: germline.
Comment: This sequence change replaces leucine, which is neutral and non-polar, with glutamine, which is neutral and polar, at codon 147 of the SPEG protein (p.Leu147Gln). This variant is present in population databases (rs768947873, gnomAD 0.003%). This variant has not been reported in the literature in individuals affected with SPEG-related conditions. ClinVar contains an entry for this variant (Variation ID: 1416138). An algorithm developed to predict the effect of missense changes on protein structure and function (PolyPhen-2) suggests that this variant is likely to be disruptive. In summary, the available evidence is currently insufficient to determine the role of this variant in disease. Therefore, it has been classified as a Variant of Uncertain Significance.

NM_005876.5(SPEG):c.440T>A (p.Leu147Gln)

Gene: SPEG (striated muscle enriched protein kinase; plus strand). Cytogenetic location: 2q35.
Variant type: single nucleotide variant.
Coding change: c.440T>A on transcript NM_005876.5 (MANE Select); coding-DNA position 440, T replaced by A.
Protein change: p.Leu147Gln; replaces leucine 147 with glutamine.
Molecular consequence: missense variant.
Genome position (GRCh38, 1-based): chr2:219,444,704, T>A. VCF-style: chr2-219444704-T-A. GRCh37 (hg19) VCF-style: chr2-220309426-T-A.
Other names: short protein forms L147Q.
Identifiers: ClinVar variation 1416138 (VCV001416138.5), dbSNP rs768947873, ClinGen allele CA2125485.